The following is an entry in ClinVar:

ClinVar aggregate classification (germline): Uncertain significance (1 of 4 stars; one submission).

Conditions:
Developmental and epileptic encephalopathy, 32 (DEE32). Also called: Epileptic encephalopathy, early infantile, 32. Identifiers: Orphanet 442835, MedGen C4225350, MONDO:0014607, OMIM 616366.

Submission:

Labcorp Genetics (formerly Invitae), Labcorp
Classification: Uncertain significance for Developmental and epileptic encephalopathy, 32. Last evaluated: 2025-06-27. Review status: criteria provided, single submitter. Criteria: Invitae Variant Classification Sherloc (09022015). Collection method: clinical testing. Allele origin: germline.
Comment: This sequence change creates a premature translational stop signal (p.Leu314Serfs*4) in the KCNA2 gene. While this is not anticipated to result in nonsense mediated decay, it is expected to disrupt the last 186 amino acid(s) of the KCNA2 protein. This variant is not present in population databases (gnomAD no frequency). This variant has not been reported in the literature in individuals affected with KCNA2-related conditions. ClinVar contains an entry for this variant (Variation ID: 3727957). Experimental studies and prediction algorithms are not available or were not evaluated, and the functional significance of this variant is currently unknown. In summary, the available evidence is currently insufficient to determine the role of this variant in disease. Therefore, it has been classified as a Variant of Uncertain Significance.

NM_004974.4(KCNA2):c.939del (p.Leu314fs)

Gene: KCNA2 (potassium voltage-gated channel subfamily A member 2; minus strand). Cytogenetic location: 1p13.3.
Variant type: Deletion.
Coding change: c.939del on transcript NM_004974.4 (MANE Select); coding-DNA position 939, one base deleted (T; older notation c.939delT).
Protein change: p.Leu314fs; shifts the reading frame from leucine 314.
Molecular consequence: frameshift variant. On other transcripts: intron variant (1).
Genome position (GRCh38, 1-based): chr1:110,603,844, A deleted on the plus strand (T on the coding strand, the reverse complement: KCNA2 is on the minus strand). VCF-style (leftmost placement, unchanged base first): chr1-110603843-GA-G. GRCh37 (hg19) VCF-style: chr1-111146465-GA-G.
Other names: c.894+45del (NM_001204269.2); short protein forms L314fs.
Identifiers: ClinVar variation 3727957 (VCV003727957.2).
Genomic context (GRCh38, chr1:110,603,843, plus strand): 5'-AGAATATCAGGAGGCCCAATTCTCTCATGCTGGCTTTGAGGGTCTGACCTAGAATCTGGA[GA>G]CCTTTGGAGTGTCTGGACAACTTGAAAATCCTAAAGACTCTTACCAACCGGATGACACGG-3'